The following is an entry in ClinVar:

ClinVar aggregate classification (germline): Conflicting classifications of pathogenicity. Review status: criteria provided, conflicting classifications (1 of 4 stars). 3 submissions from 3 submitters: Uncertain significance (2); Likely benign (1). Last evaluated 2026-05-21.

Conditions:
Cardiovascular phenotype. Identifiers: MedGen CN230736.

Allele frequency attached by ClinVar (database versions not stated): gnomAD 0.00003 and 0.00004; TOPMed 0.00001; ExAC 0.00004; gnomAD exomes 0.00004 and 0.00008.
gnomAD v4.1: 123 of 1,613,154 alleles (0.0076%); highest among the groups gnomAD compares: Non-Finnish European, 0.0098%; no homozygotes.

Submissions (3):

Women's Health and Genetics/Laboratory Corporation of America, LabCorp
Classification: Uncertain significance. Last evaluated: 2026-05-21. Review status: criteria provided, single submitter. Criteria: LabCorp Variant Classification Summary - May 2015. Collection method: clinical testing. Allele origin: germline.
Comment: Variant summary: TNXB c.7310G>A (p.Arg2437His) results in a non-conservative amino acid change in the encoded protein sequence. Algorithms developed to predict the effect of missense changes on protein structure and function are either unavailable or do not agree on the potential impact of this missense change. The variant allele was found at a frequency of 4.5e-05 in 245920 control chromosomes. This frequency is not significantly higher than estimated for disease-causing variants in TNXB, allowing no conclusion about variant significance. To our knowledge, no occurrence of c.7310G>A in individuals affected with TNXB-related conditions and no experimental evidence demonstrating its impact on protein function have been reported. ClinVar contains an entry for this variant (Variation ID: 521574). Based on the evidence outlined above, the variant was classified as uncertain significance.

GeneDx
Classification: Uncertain significance. Last evaluated: 2024-07-24. Review status: criteria provided, single submitter. Criteria: GeneDx Variant Classification Process June 2021. Collection method: clinical testing. Allele origin: germline. Affected: yes.
Comment: Has not been previously published as pathogenic or benign to our knowledge; In silico analysis indicates that this missense variant does not alter protein structure/function

Ambry Genetics
Classification: Likely benign for Cardiovascular phenotype. Last evaluated: 2019-09-27. Review status: criteria provided, single submitter. Criteria: Ambry Variant Classification Scheme 2023. Collection method: clinical testing. Allele origin: germline.

NM_001365276.2(TNXB):c.7310G>A (p.Arg2437His)

Gene: TNXB (tenascin XB; minus strand). Cytogenetic location: 6p21.33.
Variant type: single nucleotide variant.
Coding change: c.7310G>A on transcript NM_001365276.2 (MANE Select); coding-DNA position 7310, G replaced by A.
Protein change: p.Arg2437His; replaces arginine 2437 with histidine.
Molecular consequence: missense variant.
Genome position (GRCh38, 1-based): chr6:32,061,579, C>T on the plus strand (G>A on the coding strand, the complement: TNXB is on the minus strand). VCF-style: chr6-32061579-C-T. GRCh37 (hg19) VCF-style: chr6-32029356-C-T.
Other names: c.7310G>A, p.Arg2437His (NM_019105.8); short protein forms R2437H.
Identifiers: ClinVar variation 521574 (VCV000521574.6), dbSNP rs757178741, ClinGen allele CA3734192.